The following is an entry in ClinVar:

NM_001197104.2(KMT2A):c.2865del (p.Val956fs)

Gene: KMT2A (lysine methyltransferase 2A; plus strand). Cytogenetic location: 11q23.3.
Variant type: Deletion.
Coding change: c.2865del on transcript NM_001197104.2 (MANE Select); coding-DNA position 2865, one base deleted (T; older notation c.2865delT).
Protein change: p.Val956fs; shifts the reading frame from valine 956.
Molecular consequence: frameshift variant.
Genome position (GRCh38, 1-based): chr11:118,474,024, T deleted. VCF-style (leftmost placement, unchanged base first): chr11-118474023-CT-C. GRCh37 (hg19) VCF-style: chr11-118344738-CT-C.
Other names: c.2865del, p.Val956fs (NM_005933.4); short protein forms V956fs.
Identifiers: ClinVar variation 1072842 (VCV001072842.7), dbSNP rs2134272176, ClinGen allele CA2499220781.

ClinVar aggregate classification (germline): Pathogenic (1 of 4 stars; one submission).

Submission:

Labcorp Genetics (formerly Invitae), Labcorp
Classification: Pathogenic. Last evaluated: 2018-01-25. Review status: criteria provided, single submitter. Criteria: Invitae Variant Classification Sherloc (09022015). Collection method: clinical testing. Allele origin: germline.
Comment: Loss-of-function variants in KMT2A are known to be pathogenic (PMID: 22795537, 25810209). This sequence change creates a premature translational stop signal (p.Val956Serfs*7) in the KMT2A gene. It is expected to result in an absent or disrupted protein product. This variant is not present in population databases (ExAC no frequency). This variant has not been reported in the literature in individuals with KMT2A-related disease. For these reasons, this variant has been classified as Pathogenic.

Literature cited by the submitters: PubMed 22795537; PubMed 25810209.